The following is an entry in ClinVar:

ClinVar aggregate classification (germline): Uncertain significance (1 of 4 stars; one submission).

Allele frequency attached by ClinVar (database versions not stated): gnomAD below 0.00001 and 0.00001; TOPMed below 0.00001; gnomAD exomes 0.00001 and 0.00003; ExAC 0.00010.
gnomAD v4.1: 17 of 1,572,762 alleles (0.0011%); highest among the groups gnomAD compares: South Asian, 0.02%; no homozygotes.

Submission:

Labcorp Genetics (formerly Invitae), Labcorp
Classification: Uncertain significance. Last evaluated: 2021-08-27. Review status: criteria provided, single submitter. Criteria: Invitae Variant Classification Sherloc (09022015). Collection method: clinical testing. Allele origin: germline.
Comment: This sequence change replaces aspartic acid with glycine at codon 20 of the NSMCE3 protein (p.Asp20Gly). The aspartic acid residue is weakly conserved and there is a moderate physicochemical difference between aspartic acid and glycine. This variant is present in population databases (rs773214385, ExAC 0.05%). This variant has not been reported in the literature in individuals affected with NSMCE3-related conditions. Algorithms developed to predict the effect of missense changes on protein structure and function output the following: SIFT: "Deleterious"; PolyPhen-2: "Possibly Damaging"; Align-GVGD: "Class C0". The glycine amino acid residue is found in multiple mammalian species, which suggests that this missense change does not adversely affect protein function. In summary, the available evidence is currently insufficient to determine the role of this variant in disease. Therefore, it has been classified as a Variant of Uncertain Significance.

NM_138704.4(NSMCE3):c.59A>G (p.Asp20Gly)

Genes: ENTREP2 (endosomal transmembrane epsin interactor 2; minus strand), NSMCE3 (NSE3 homolog, SMC5-SMC6 complex component; minus strand). Cytogenetic location: 15q13.1.
Variant type: single nucleotide variant.
Coding change: c.59A>G on transcript NM_138704.4 (MANE Select); coding-DNA position 59, A replaced by G.
Protein change: p.Asp20Gly; replaces aspartic acid 20 with glycine.
Molecular consequence: missense variant. On other transcripts: intron variant (5).
Genome position (GRCh38, 1-based): chr15:29,269,647, T>C on the plus strand (A>G on the coding strand, the complement: NSMCE3 is on the minus strand). VCF-style: chr15-29269647-T-C. GRCh37 (hg19) VCF-style: chr15-29561851-T-C.
Other names: c.-12-17169A>G (NM_001387217.1, NM_001387215.1, NM_001387216.1); c.277-17169A>G (NM_001387214.1, NM_015307.2); short protein forms D20G.
Identifiers: ClinVar variation 1002164 (VCV001002164.6), dbSNP rs773214385, ClinGen allele CA7446247.